The following is an entry in ClinVar:

NM_001243925.2(MAPKAPK3):c.844C>T (p.Arg282Cys)

Gene: MAPKAPK3 (MAPK activated protein kinase 3; plus strand). Cytogenetic location: 3p21.2.
Variant type: single nucleotide variant.
Coding change: c.844C>T on transcript NM_001243925.2 (MANE Select); coding-DNA position 844, C replaced by T.
Protein change: p.Arg282Cys; replaces arginine 282 with cysteine.
Molecular consequence: missense variant.
Genome position (GRCh38, 1-based): chr3:50,646,754, C>T. VCF-style: chr3-50646754-C-T. GRCh37 (hg19) VCF-style: chr3-50684185-C-T.
Other names: c.844C>T, p.Arg282Cys (NM_001243926.2, NM_004635.5); c.844C>T (NM_004635.4); short protein forms R282C.
Identifiers: ClinVar variation 963185 (VCV000963185.8), dbSNP rs79652799, ClinGen allele CA2420397.
Genomic context (GRCh38, chr3:50,646,754, plus strand): 5'-TGGCTCTGCAATCTCATCTCTCCCCTCTCTTCCCTGGCCCCCCTAGCCAAGCAGCTGATC[C>T]GCCTCCTGTTGAAGACAGACCCCACAGAGAGGCTGACCATCACTCAGTTCATGAACCACC-3'
Protein context (NP_001230854.1, residues 272-292): EVSEDAKQLI[Arg282Cys]LLLKTDPTER

ClinVar aggregate classification (germline): Uncertain significance. Review status: criteria provided, multiple submitters, no conflicts (2 of 4 stars). 2 submissions from 2 submitters: Uncertain significance (2). Last evaluated 2024-11-09.

Allele frequency attached by ClinVar (database versions not stated): gnomAD 0.00006; ESP Exome Variant Server 0.00008; TOPMed 0.00009; 1000 Genomes Project 30x 0.00016; 1000 Genomes Project 0.00020.

Submissions (2):

Ambry Genetics
Classification: Uncertain significance. Last evaluated: 2024-11-09. Review status: criteria provided, single submitter. Criteria: Ambry Variant Classification Scheme 2023. Collection method: clinical testing. Allele origin: germline.

Labcorp Genetics (formerly Invitae), Labcorp
Classification: Uncertain significance. Last evaluated: 2024-02-24. Review status: criteria provided, single submitter. Criteria: Invitae Variant Classification Sherloc (09022015). Collection method: clinical testing. Allele origin: germline.
Comment: This sequence change replaces arginine, which is basic and polar, with cysteine, which is neutral and slightly polar, at codon 282 of the MAPKAPK3 protein (p.Arg282Cys). This variant is present in population databases (rs79652799, gnomAD 0.008%). This variant has not been reported in the literature in individuals affected with MAPKAPK3-related conditions. ClinVar contains an entry for this variant (Variation ID: 963185). An algorithm developed to predict the effect of missense changes on protein structure and function (PolyPhen-2) suggests that this variant is likely to be tolerated. In summary, the available evidence is currently insufficient to determine the role of this variant in disease. Therefore, it has been classified as a Variant of Uncertain Significance.